The following is an entry in ClinVar:

NM_033100.4(CDHR1):c.863-1G>A

Gene: CDHR1 (cadherin related family member 1; plus strand). Cytogenetic location: 10q23.1.
Variant type: single nucleotide variant.
Coding change: c.863-1G>A on transcript NM_033100.4 (MANE Select); the canonical splice acceptor site of the intron before coding-DNA position 863, G replaced by A.
Molecular consequence: splice acceptor variant.
Genome position (GRCh38, 1-based): chr10:84,205,826, G>A. VCF-style: chr10-84205826-G-A. GRCh37 (hg19) VCF-style: chr10-85965582-G-A.
Other names: c.863-1G>A (NM_001171971.3).
Identifiers: ClinVar variation 280752 (VCV000280752.7), dbSNP rs886041900, ClinGen allele CA10603072.

ClinVar aggregate classification (germline): Pathogenic/Likely pathogenic. Review status: criteria provided, multiple submitters, no conflicts (2 of 4 stars). 4 submissions from 4 submitters: Pathogenic (3); Likely pathogenic (1). Last evaluated 2025-08-21.

Conditions:
CDHR1-related disorders.
Cone-rod dystrophy 15 (CORD15). Identifiers: MedGen C3150912, MONDO:0013348, OMIM 613660.

Allele frequency attached by ClinVar (database versions not stated): gnomAD exomes below 0.00001 and 0.00001; TOPMed 0.00001.
gnomAD v4.1: 15 of 1,612,774 alleles (0.00093%); highest among the groups gnomAD compares: Middle Eastern, 0.017%; no homozygotes.

Submissions (4):

Labcorp Genetics (formerly Invitae), Labcorp
Classification: Pathogenic. Last evaluated: 2025-08-21. Review status: criteria provided, single submitter. Criteria: Invitae Variant Classification Sherloc (09022015). Collection method: clinical testing. Allele origin: germline.
Comment: This sequence change affects an acceptor splice site in intron 9 of the CDHR1 gene. It is expected to disrupt RNA splicing. Variants that disrupt the donor or acceptor splice site typically lead to a loss of protein function (PMID: 16199547), and loss-of-function variants in CDHR1 are known to be pathogenic (PMID: 23044944, 23591405, 26103963, 26261414). This variant is present in population databases (no rsID available, gnomAD 0.003%). Disruption of this splice site has been observed in individuals with clinical features of retinitis pigmentosa (PMID: 34906470, 36284670; internal data). ClinVar contains an entry for this variant (Variation ID: 280752). Algorithms developed to predict the effect of sequence changes on RNA splicing suggest that this variant may disrupt the consensus splice site. For these reasons, this variant has been classified as Pathogenic.

Blueprint Genetics
Classification: Pathogenic for CDHR1-related disorders. Last evaluated: 2022-06-03. Review status: criteria provided, single submitter. Criteria: ACMG Guidelines, 2015. Collection method: clinical testing. Allele origin: germline. Affected: yes. Observed: 2 variant alleles.

Ocular Genomics Institute, Massachusetts Eye and Ear
Classification: Likely pathogenic for Cone-rod dystrophy 15. Last evaluated: 2021-04-08. Review status: criteria provided, single submitter. Criteria: ACMG Guidelines, 2015. Collection method: research. Allele origin: germline. Affected: yes.
Comment: Through a review of available evidence we were able to apply the following criteria: PVS1, PM2. Based on this evidence we have classified this variant as Likely Pathogenic.

GeneDx
Classification: Pathogenic. Last evaluated: 2017-01-31. Review status: criteria provided, single submitter. Criteria: GeneDx Variant Classification (06012015). Collection method: clinical testing. Allele origin: germline. Affected: yes.
Comment: The c.863-1G>A pathogenic variant in the CDHR1 gene has not been reported previously as a pathogenic variant nor as a benign variant, to our knowledge. This splice site variant destroys the canonical splice acceptor site in intron 9. It is predicted to cause abnormal gene splicing, either leading to an abnormal message that is subject to nonsense-mediated mRNA decay, or to an abnormal protein product if the message is used for protein translation. The c.863-1G>A variant was not observed in approximately 6500 individuals of European and African American ancestry in the NHLBI Exome Sequencing Project, indicating it is not a common benign variant in these populations. We interpret c.863-1G>A as a pathogenic variant.

Literature cited by the submitters: PubMed 16199547 (cited by Labcorp Genetics (formerly Invitae), Labcorp); PubMed 23044944 (cited by Labcorp Genetics (formerly Invitae), Labcorp); PubMed 23591405 (cited by Labcorp Genetics (formerly Invitae), Labcorp); PubMed 26103963 (cited by Labcorp Genetics (formerly Invitae), Labcorp); PubMed 26261414 (cited by Labcorp Genetics (formerly Invitae), Labcorp); PubMed 34906470 (cited by Labcorp Genetics (formerly Invitae), Labcorp); PubMed 36284670 (cited by Labcorp Genetics (formerly Invitae), Labcorp).